The following is an entry in ClinVar:

NM_000275.3(OCA2):c.1070T>C (p.Met357Thr)

Gene: OCA2 (OCA2 melanosomal transmembrane protein; minus strand). Cytogenetic location: 15q13.1.
Variant type: single nucleotide variant.
Coding change: c.1070T>C on transcript NM_000275.3 (MANE Select); coding-DNA position 1070, T replaced by C.
Protein change: p.Met357Thr; replaces methionine 357 with threonine.
Molecular consequence: missense variant. On other transcripts: intron variant (1).
Genome position (GRCh38, 1-based): chr15:27,990,622, A>G on the plus strand (T>C on the coding strand, the complement: OCA2 is on the minus strand). VCF-style: chr15-27990622-A-G. GRCh37 (hg19) VCF-style: chr15-28235768-A-G.
Other names: c.1045-956T>C (NM_001300984.2); short protein forms M357T.
Identifiers: ClinVar variation 4763230 (VCV004763230.1).
Genomic context (GRCh38, chr15:27,990,622, plus strand): 5'-CTGTGACAACTTACATCGCCAATCACAGCCAGTGCTGCCAGTGCTGCAAGGGAACCCAGC[A>G]TGGCCGCCAGAGTTCTGTGCACGATCTGGAAAGAAGCACAGGAAATTACCGCGTTCCAGT-3'
Protein context (NP_000266.2, residues 347-367): FEIVHRTLAA[Met357Thr]LGSLAALAAL

ClinVar aggregate classification (germline): Uncertain significance (1 of 4 stars; one submission).

gnomAD v4.1: 8 of 1,614,002 alleles (0.0005%); highest among the groups gnomAD compares: African/African-American, 0.008%; no homozygotes.

Submission:

Labcorp Genetics (formerly Invitae), Labcorp
Classification: Uncertain significance. Last evaluated: 2025-07-02. Review status: criteria provided, single submitter. Criteria: Invitae Variant Classification Sherloc (09022015). Collection method: clinical testing. Allele origin: germline.
Comment: This sequence change replaces methionine, which is neutral and non-polar, with threonine, which is neutral and polar, at codon 357 of the OCA2 protein (p.Met357Thr). This variant is not present in population databases (gnomAD no frequency). This variant has not been reported in the literature in individuals affected with OCA2-related conditions. Invitae Evidence Modeling of protein sequence and biophysical properties (such as structural, functional, and spatial information, amino acid conservation, physicochemical variation, residue mobility, and thermodynamic stability) has been performed for this missense variant. However, the output from this modeling did not meet the statistical confidence thresholds required to predict the impact of this variant on OCA2 protein function. In summary, the available evidence is currently insufficient to determine the role of this variant in disease. Therefore, it has been classified as a Variant of Uncertain Significance.